The following is an entry in ClinVar:

ClinVar aggregate classification (germline): Pathogenic (1 of 4 stars; one submission).

Submission:

Labcorp Genetics (formerly Invitae), Labcorp
Classification: Pathogenic. Last evaluated: 2025-12-20. Review status: criteria provided, single submitter. Criteria: Invitae Variant Classification Sherloc (09022015). Collection method: clinical testing. Allele origin: germline.
Comment: This sequence change creates a premature translational stop signal (p.Leu1511Argfs*3) in the PIK3C2A gene. It is expected to result in an absent or disrupted protein product. Loss-of-function variants in PIK3C2A are known to be pathogenic (PMID: 31034465). This variant is not present in population databases (gnomAD no frequency). This variant has not been reported in the literature in individuals affected with PIK3C2A-related conditions. For these reasons, this variant has been classified as Pathogenic.

Literature cited by the submitters: PubMed 31034465.

NM_002645.4(PIK3C2A):c.4531_4534del (p.Leu1511fs)

Gene: PIK3C2A (phosphatidylinositol-4-phosphate 3-kinase catalytic subunit type 2 alpha; minus strand). Cytogenetic location: 11p15.1.
Variant type: Microsatellite.
Coding change: c.4531_4534del on transcript NM_002645.4 (MANE Select); coding-DNA positions 4531 to 4534, 4 bases deleted (TTAC; older notation c.4531_4534delTTAC).
Protein change: p.Leu1511fs; shifts the reading frame from leucine 1511.
Molecular consequence: frameshift variant.
Genome position (GRCh38, 1-based): chr11:17,092,194-17,092,197, GTAA deleted on the plus strand (TTAC on the coding strand, the reverse complement: PIK3C2A is on the minus strand); deleting any 4 consecutive bases within chr11:17,092,194-17,092,201 gives the same sequence; the c. name uses the placement nearest the transcript's 3' end. VCF-style (leftmost placement, unchanged base first): chr11-17092193-TGTAA-T. GRCh37 (hg19) VCF-style: chr11-17113740-TGTAA-T.
Other names: c.4531_4534del, p.Leu1511fs (NM_001321378.2); c.3391_3394del, p.Leu1131fs (NM_001321380.2); c.4363_4366del, p.Leu1455fs (NM_001386870.1); short protein forms L1131fs, L1455fs, L1511fs.
Identifiers: ClinVar variation 4764875 (VCV004764875.1).